The following is an entry in ClinVar:

NM_014239.4(EIF2B2):c.857A>G (p.His286Arg)

Gene: EIF2B2 (eukaryotic translation initiation factor 2B subunit beta; plus strand). Cytogenetic location: 14q24.3.
Variant type: single nucleotide variant.
Coding change: c.857A>G on transcript NM_014239.4 (MANE Select); coding-DNA position 857, A replaced by G.
Protein change: p.His286Arg; replaces histidine 286 with arginine.
Molecular consequence: missense variant.
Genome position (GRCh38, 1-based): chr14:75,007,747, A>G. VCF-style: chr14-75007747-A-G. GRCh37 (hg19) VCF-style: chr14-75474450-A-G.
Other names: short protein forms H286R.
Identifiers: ClinVar variation 2083964 (VCV002083964.4), dbSNP rs1198536818, ClinGen allele CA390429613.
Genomic context (GRCh38, chr14:75,007,747, plus strand): 5'-GGGTCTCTAGTTTTTATAAATTTTTTCCTTTTTAGTTCCCCAATGAAGAAGACTCATTTC[A>G]TAAGTTTGTGGCTCCTGAAGAAGTCCTGCCATTCACAGAAGGTACAGAAGCTGTGTGTGC-3'
Protein context (NP_055054.1, residues 276-296): PQFPNEEDSF[His286Arg]KFVAPEEVLP

ClinVar aggregate classification (germline): Uncertain significance. Review status: criteria provided, multiple submitters, no conflicts (2 of 4 stars). 3 submissions from 3 submitters: Uncertain significance (3). Last evaluated 2022-04-12.

Conditions:
Inborn genetic diseases. Identifiers: MedGen C0950123, MeSH D030342.
Leukoencephalopathy with vanishing white matter 2 (VWM2). Also called: EIF2B2-Related Childhood Ataxia with Central Nervous System Hypomyelination/Vanishing White Matter; Leukoencephalopathy with vanishing white matter 2, with or without ovarian failure. Identifiers: MedGen C5830404, MONDO:0957870, OMIM 620312.

Allele frequency attached by ClinVar (database versions not stated): gnomAD exomes below 0.00001; gnomAD 0.00001.

Submissions (3):

Labcorp Genetics (formerly Invitae), Labcorp
Classification: Uncertain significance. Last evaluated: 2022-04-12. Review status: criteria provided, single submitter. Criteria: Invitae Variant Classification Sherloc (09022015). Collection method: clinical testing. Allele origin: germline.
Comment: This sequence change replaces histidine, which is basic and polar, with arginine, which is basic and polar, at codon 286 of the EIF2B2 protein (p.His286Arg). This variant is present in population databases (no rsID available, gnomAD 0.005%). This variant has not been reported in the literature in individuals affected with EIF2B2-related conditions. Algorithms developed to predict the effect of missense changes on protein structure and function (SIFT, PolyPhen-2, Align-GVGD) all suggest that this variant is likely to be tolerated. In summary, the available evidence is currently insufficient to determine the role of this variant in disease. Therefore, it has been classified as a Variant of Uncertain Significance.

Ambry Genetics
Classification: Uncertain significance for Inborn genetic diseases. Last evaluated: 2021-08-02. Review status: criteria provided, single submitter. Criteria: Ambry Variant Classification Scheme 2023. Collection method: clinical testing. Allele origin: germline.

Juno Genomics, Hangzhou Juno Genomics, Inc
Classification: Uncertain significance for Leukoencephalopathy with vanishing white matter 2. Review status: criteria provided, single submitter. Criteria: ACMG Guidelines, 2015. Collection method: clinical testing. Allele origin: germline.
Comment: Absent from controls (or at extremely low frequency if recessive) in Genome Aggregation Database.;Multiple lines of computational evidence support a deleterious effect on the gene or gene product.